The following is an entry in ClinVar:

ClinVar aggregate classification (germline): Pathogenic. Review status: criteria provided, multiple submitters, no conflicts (2 of 4 stars). 18 submissions from 18 submitters: Pathogenic (13). 5 of the submissions do not count toward it. Last evaluated 2026-01-06.

Conditions:
MMACHC-related disorder. Also called: MMACHC-related condition.
Cobalamin C disease. Also called: methylmalonic aciduria and homocystinuria type cblC; Methylmalonic aciduria and homocystinuria, Vitamin B12-responsive; Vitamin B12 metabolic defect with combined deficiency of methylmalonyl-CoA mutase and homocysteine:methyltetrahydrofolate methyltransferase; Methylmalonic aciduria with homocystinuria cblC type; Cobalamin-C methylmalonic acidemia and homocystinuria; Methylmalonic acidemia and homocystinuria cblC type. Identifiers: Orphanet 26, Orphanet 79282, MedGen C1848561, MONDO:0010184, OMIM 277400.

Submissions (18):

Labcorp Genetics (formerly Invitae), Labcorp
Classification: Pathogenic for Cobalamin C disease. Last evaluated: 2026-01-06. Review status: criteria provided, single submitter. Criteria: Invitae Variant Classification Sherloc (09022015). Collection method: clinical testing. Allele origin: germline.
Comment: This variant, c.658_660del, results in the deletion of 1 amino acid(s) of the MMACHC protein (p.Lys220del), but otherwise preserves the integrity of the reading frame. This variant is present in population databases (rs759243577, gnomAD 0.03%). This variant has been observed in individual(s) with methylmalonic aciduria and homocystinuria (PMID: 16311595, 20631720, 21055272, 26149271, 26563984, 28218226). In at least one individual the data is consistent with being in trans (on the opposite chromosome) from a pathogenic variant. ClinVar contains an entry for this variant (Variation ID: 95707). Experimental studies and prediction algorithms are not available or were not evaluated, and the functional significance of this variant is currently unknown. For these reasons, this variant has been classified as Pathogenic.

Natera, Inc.
Classification: Pathogenic for Methylmalonic aciduria and homocystinuria cblC type. Last evaluated: 2025-10-22. Review status: criteria provided, single submitter. Criteria: Natera Variant Classification Schema (03/2026). Collection method: clinical testing. Allele origin: germline.
Comment: The c.658_660delAAG variant in MMACHC is an in-frame deletion predicted to remove lysine at amino acid 220 while preserving the reading frame. This variant is rare in the general population with a frequency below the threshold expected for the associated phenotype(s). This variant has been observed in one or more individuals affected with the associated recessive disease, as either homozygous or compound heterozygous with a second variant (PMID: 33240318, 31092259). This variant results in a change to the protein length while preserving reading frame, which may disrupt normal protein structure or function. Computational prediction algorithms indicate this variant is likely to affect gene or protein function. Given the available evidence, this variant is classified as Pathogenic.

Blueprint Genetics
Classification: Pathogenic for MMACHC-related disorders. Last evaluated: 2024-07-12. Review status: criteria provided, single submitter. Criteria: ACMG Guidelines, 2015. Collection method: clinical testing. Allele origin: germline. Affected: yes. Observed: 4 variant alleles.

Fulgent Genetics
Classification: Pathogenic for Cobalamin C disease. Last evaluated: 2024-02-02. Review status: criteria provided, single submitter. Criteria: ACMG Guidelines, 2015. Collection method: clinical testing. Allele origin: germline.

Genome-Nilou Lab
Classification: Pathogenic for Cobalamin C disease. Last evaluated: 2023-04-11. Review status: criteria provided, single submitter. Criteria: ACMG Guidelines, 2015. Collection method: clinical testing. Allele origin: germline. Affected: no.

Mayo Clinic Laboratories, Mayo Clinic
Classification: Pathogenic. Last evaluated: 2023-02-09. Review status: criteria provided, single submitter. Criteria: ACMG Guidelines, 2015. Collection method: clinical testing. Allele origin: germline. Observed: 1 variant allele.
Comment: PM1, PM3, PM4, PS4

Institute of Human Genetics, University of Leipzig Medical Center
Classification: Pathogenic for Cobalamin C disease. Last evaluated: 2021-12-20. Review status: criteria provided, single submitter. Criteria: ACMG Guidelines, 2015. Collection method: clinical testing. Allele origin: paternal. Affected: yes.
Comment: _x000D_This variant was identified as compound heterozygous withNM_015506.3:c.271dup. Criteria applied: PM3_VSTR, PM4_SUP, PP4

Genetics and Prenatal Diagnosis Center, The First Affiliated Hospital of Zhengzhou University
Classification: Pathogenic for Cobalamin C disease. Last evaluated: 2021-05-13. Review status: criteria provided, single submitter. Criteria: ACMG Guidelines, 2015. Collection method: clinical testing. Allele origin: germline. Affected: yes.

Illumina Laboratory Services, Illumina
Classification: Pathogenic for Cobalamin C disease. Last evaluated: 2020-11-02. Review status: criteria provided, single submitter. Criteria: ICSLVariantClassificationCriteria RUGD 01 April 2020. Collection method: clinical testing. Allele origin: unknown.
Comment: The MMACHC c.658_660delAAG (p.Lys220del) is an inframe deletion variant. Across a selection of the available literature, the p.Lys220del variant has been identified in a compound heterozygous state at least 25 individuals with cblC type of methylmalonic aciduria and homocystinuria(Lerner-Ellis et al. 2009; Liu et al. 2010; Weisfeld-Adams et al. 2013; Han et al. 2016; Wu et al. 2017). This variant is reported in 13.9% of disease alleles in the Chinese population (Liu et al. 2010). In one family, two affected siblings presented with late-onset disease and an initial presentation of manic-depressive psychosis (Wu et al. 2017). The p.Lys220del variant was absent from 50 control subjects (Lerner-Ellis et al. 2009) but is reported at a frequency of 0.000307 in the East Asian population of the Genome Aggregation Database. Based on the collective evidence and application of the ACMG criteria, the p.Lys220del variant is classified as pathogenic for disorders of intracellular cobalamin metabolism.

Women's Health and Genetics/Laboratory Corporation of America, LabCorp
Classification: Pathogenic for Methylmalonic acidemia with homocystinuria. Last evaluated: 2018-10-15. Review status: criteria provided, single submitter. Criteria: LabCorp Variant Classification Summary - May 2015. Collection method: clinical testing. Allele origin: germline.
Comment: Variant summary: MMACHC c.658_660delAAG (p.Lys220del) results in an in-frame deletion that is predicted to remove one amino acid from the encoded protein. The variant allele was found at a frequency of 4.7e-05 in 276980 control chromosomes (gnomAD). This frequency is not significantly higher than expected for a pathogenic variant in MMACHC causing Cobalamin C Disease (Methylmalonic Aciduria with Homocystinuria) (4.7e-05 vs 0.0031), allowing no conclusion about variant significance. The variant, c.658_660delAAG has been reported in the literature in multiple Chinese individuals affected with Cobalamin C Disease (Methylmalonic Aciduria with Homocystinuria) (e.g. Liu 2010, Weisfeld-Adams 2013, Wu 2017). These data indicate that the variant is very likely to be associated with disease. At least one publication reported experimental evidence evaluating an impact on protein function, demonstrating "decreased incorporation of label from [14C]propionate and 5-[14C]methyltetrahydrofolate into cellular macromolecules (measuring function of methylmalonylCoA mutase and methionine synthase, respectively) and decreased synthesis of both AdoCbl and MeCbl from exogenous [57Co]-labeled CNCbl. In all cases, diagnosis was confirmed by complementation analysis (Lerner-Ellis 2006)." Two clinical diagnostic laboratories have submitted clinical-significance assessments for this variant to ClinVar after 2014 without evidence for independent evaluation, and both laboratories classified the variant as pathogenic. Based on the evidence outlined above, the variant was classified as pathogenic.

GeneDx
Classification: Pathogenic. Last evaluated: 2015-11-17. Review status: criteria provided, single submitter. Criteria: GeneDx Variant Classification (06012015). Collection method: clinical testing. Allele origin: germline. Affected: yes.
Comment: The c.658_660delAAG pathogenic variant in theMMACHC gene has also been reported previously in association with cblC deficiency and is reportedas a founder mutation in Chinese patients (Liu et al. 2010). The deletion causes the loss of a Lysinecodon at position 220, denoted p.Lys220del.

Eurofins Ntd Llc (ga)
Classification: Pathogenic. Last evaluated: 2013-05-29. Review status: criteria provided, single submitter. Criteria: EGL Classification Definitions. Collection method: clinical testing. Allele origin: germline. Observed: 2 variant alleles, 2 heterozygotes.

Juno Genomics, Hangzhou Juno Genomics, Inc
Classification: Pathogenic for Cobalamin C disease. Review status: criteria provided, single submitter. Criteria: ACMG Guidelines, 2015. Collection method: clinical testing. Allele origin: germline. Affected: yes.
Comment: Absent from controls (or at extremely low frequency if recessive) in Genome Aggregation Database, Exome Sequencing Project, 1000 Genomes Project, or Exome Aggregation Consortium.;Protein length changes due to in-frame deletions/insertions in a non-repeat region or stop-loss variants.;For recessive disorders, detected in trans with a pathogenic variant.;Patient's phenotype or family history is highly specific for a disease with a single genetic etiology.;Co-segregation with disease in multiple affected family members in a gene definitively known to cause the disease.

PreventionGenetics, part of Exact Sciences
Classification: Pathogenic for MMACHC-related condition. Last evaluated: 2024-06-10. Review status: no assertion criteria provided. Collection method: clinical testing. Allele origin: germline. Not counted in ClinVar's aggregate classification.
Comment: The MMACHC c.658_660delAAG variant is predicted to result in an in-frame deletion (p.Lys220del). This variant has been reported in both the homozygous and compound heterozygous states in individuals with combined methylmalonic aciduria and homocystinura, cblC type (for example, see Lerner-Ellis et al. 2006. PubMed ID: 16311595; Lerner-Ellis et al. 2009. PubMed ID: 19370762; Liu et al. 2010. PubMed ID: 20631720; Hu et al. 2018. PubMed ID: 30157807). This variant has been reported to be one of the most common causative MMACHC variants in Chinese patients (Liu et al. 2010. PubMed ID: 20631720; Hu et al. 2018. PubMed ID: 30157807). This variant is reported in 0.031% of alleles in individuals of East Asian descent in gnomAD. This variant is interpreted as pathogenic.

Neurology Department, Peking University First Hospital
Classification: Pathogenic for Methylmalonic acidemia with homocystinuria. Last evaluated: 2020-04-23. Review status: no assertion criteria provided. Collection method: research. Allele origin: germline. Affected: yes. Not counted in ClinVar's aggregate classification.

Counsyl
Classification: Pathogenic for Cobalamin C disease. Last evaluated: 2016-11-03. Review status: no assertion criteria provided. Collection method: clinical testing. Allele origin: unknown. Not counted in ClinVar's aggregate classification.

OMIM
Classification: Pathogenic for METHYLMALONIC ACIDURIA AND HOMOCYSTINURIA, cblC TYPE. Last evaluated: 2010-09-01. Review status: no assertion criteria provided. Collection method: literature only. Allele origin: germline. Not counted in ClinVar's aggregate classification.

Developmental and Behavioral Pediatrics, First Affiliated Hospital of Jilin University
Classification: Pathogenic for Cobalamin C disease. Review status: no assertion criteria provided. Collection method: clinical testing. Allele origin: maternal. Not counted in ClinVar's aggregate classification.

Literature cited by the submitters: PubMed 16311595 (cited by 3 submitters); PubMed 20631720 (cited by 6 submitters); PubMed 21055272 (cited by Labcorp Genetics (formerly Invitae), Labcorp); PubMed 26149271 (cited by Labcorp Genetics (formerly Invitae), Labcorp); PubMed 26563984 (cited by Labcorp Genetics (formerly Invitae), Labcorp and Illumina Laboratory Services, Illumina); PubMed 28218226 (cited by 3 submitters); PubMed 33240318 (cited by Natera, Inc.); PubMed 31092259 (cited by Natera, Inc.); PubMed 30157807 (cited by Mayo Clinic Laboratories, Mayo Clinic); PubMed 32943488 (cited by Mayo Clinic Laboratories, Mayo Clinic and OMIM); PubMed 33982424 (cited by Mayo Clinic Laboratories, Mayo Clinic); PubMed 34102818 (cited by Mayo Clinic Laboratories, Mayo Clinic); PubMed 35361390 (cited by Mayo Clinic Laboratories, Mayo Clinic); PubMed 19370762 (cited by Illumina Laboratory Services, Illumina and Counsyl); PubMed 23954310 (cited by Illumina Laboratory Services, Illumina and Women's Health and Genetics/Laboratory Corporation of America, LabCorp).

NM_015506.3(MMACHC):c.658_660del (p.Lys220del)

Genes: MMACHC (metabolism of cobalamin associated C; plus strand), LOC129930446 (ATAC-STARR-seq lymphoblastoid active region 972; plus strand). Cytogenetic location: 1p34.1.
Variant type: Deletion.
Coding change: c.658_660del on transcript NM_015506.3 (MANE Select); coding-DNA positions 658 to 660, 3 bases deleted (AAG; older notation c.658_660delAAG).
Protein change: p.Lys220del; deletes lysine 220.
Molecular consequence: inframe deletion.
Genome position (GRCh38, 1-based): chr1:45,509,024-45,509,026, AAG deleted; deleting any 3 consecutive bases within chr1:45,509,022-45,509,026 gives the same sequence; the c. name uses the placement nearest the transcript's 3' end. VCF-style (leftmost placement, unchanged base first): chr1-45509021-CAGA-C. GRCh37 (hg19) VCF-style: chr1-45974693-CAGA-C.
Other names: p.Lys220del; c.487_489del, p.Lys163del (NM_001330540.2); c.658_660delAAG (NM_015506.2, NM_015506.3); short protein forms K220del, K163del.
Identifiers: ClinVar variation 95707 (VCV000095707.63), dbSNP rs398124296, ClinGen allele CA223197.
Genomic context (GRCh38, chr1:45,509,021, plus strand): 5'-CACTGGCGTGATTGGACTTACCGGGATGCTGTGACACCCCAGGAGCGCTACTCAGAAGAG[CAGA>C]AGGCCTACTTCTCCACTCCACCTGCCCAACGATTGGCCCTATTGGGCTTGGCTCAGCCCT-3'